The following is an entry in ClinVar:

ClinVar aggregate classification (germline): Uncertain significance (1 of 4 stars; one submission).

Allele frequency attached by ClinVar (database versions not stated): gnomAD exomes below 0.00001; TOPMed below 0.00001.
gnomAD v4.1: 1 of 1,613,532 alleles (0.000062%); highest among the groups gnomAD compares: Non-Finnish European, 0.000085%; no homozygotes.

Submission:

GeneDx
Classification: Uncertain significance. Last evaluated: 2019-05-01. Review status: criteria provided, single submitter. Criteria: GeneDx Variant Classification Process June 2021. Collection method: clinical testing. Allele origin: germline. Affected: yes.
Comment: Has not been previously published as pathogenic or benign to our knowledge; Not observed in large population cohorts (Lek et al., 2016); In silico analysis, which includes protein predictors and evolutionary conservation, supports a deleterious effect

NM_001032283.3(TMPO):c.911A>G (p.His304Arg)

Gene: TMPO (thymopoietin; plus strand). Cytogenetic location: 12q23.1.
Variant type: single nucleotide variant.
Coding change: c.911A>G on transcript NM_001032283.3 (MANE Select); coding-DNA position 911, A replaced by G.
Protein change: p.His304Arg; replaces histidine 304 with arginine.
Molecular consequence: missense variant. On other transcripts: intron variant (1).
Genome position (GRCh38, 1-based): chr12:98,544,982, A>G. VCF-style: chr12-98544982-A-G. GRCh37 (hg19) VCF-style: chr12-98938760-A-G.
Other names: c.791A>G, p.His264Arg (NM_001307975.2); c.664-1377A>G (NM_001032284.3); short protein forms H264R, H304R.
Identifiers: ClinVar variation 1305570 (VCV001305570.2), dbSNP rs1878137265, ClinGen allele CA386155538.